The following is an entry in ClinVar:

NM_198904.4(GABRG2):c.838T>G (p.Tyr280Asp)

Gene: GABRG2 (gamma-aminobutyric acid type A receptor subunit gamma2; plus strand). Cytogenetic location: 5q34.
Variant type: single nucleotide variant.
Coding change: c.838T>G on transcript NM_198904.4 (MANE Select); coding-DNA position 838, T replaced by G.
Protein change: p.Tyr280Asp; replaces tyrosine 280 with aspartic acid.
Molecular consequence: missense variant.
Genome position (GRCh38, 1-based): chr5:162,142,232, T>G. VCF-style: chr5-162142232-T-G. GRCh37 (hg19) VCF-style: chr5-161569238-T-G.
Other names: c.838T>G, p.Tyr280Asp (NM_000816.3, NM_001375340.1); c.829T>G, p.Tyr277Asp (NM_001375339.1); c.835T>G, p.Tyr279Asp (NM_001375341.1, NM_001375342.1); c.958T>G, p.Tyr320Asp (NM_001375343.1, NM_198903.2); c.877T>G, p.Tyr293Asp (NM_001375344.1); c.772T>G, p.Tyr258Asp (NM_001375345.1, NM_001375346.1); c.751T>G, p.Tyr251Asp (NM_001375347.1); c.418T>G, p.Tyr140Asp (NM_001375348.1, NM_001375350.1); and 1 more; short protein forms Y320D, Y280D, Y140D, Y185D, Y251D, Y258D, Y277D, Y279D.
Identifiers: ClinVar variation 651480 (VCV000651480.9), dbSNP rs1581439671, ClinGen allele CA362182096.

ClinVar aggregate classification (germline): Uncertain significance (1 of 4 stars; one submission).

Conditions:
EPILEPSY, CHILDHOOD ABSENCE, SUSCEPTIBILITY TO, 2 (ECA2). Identifiers: Orphanet 64280, MedGen C1843244, OMIM 607681.
Febrile seizures, familial, 8 (FEB8). Also called: CONVULSIONS, FAMILIAL FEBRILE, 8. Identifiers: Orphanet 36387, MedGen C1969810, MONDO:0011891, OMIM 607681.

Submission:

Labcorp Genetics (formerly Invitae), Labcorp
Classification: Uncertain significance for Febrile seizures, familial, 8; EPILEPSY, CHILDHOOD ABSENCE, SUSCEPTIBILITY TO, 2. Last evaluated: 2018-09-04. Review status: criteria provided, single submitter. Criteria: Invitae Variant Classification Sherloc (09022015). Collection method: clinical testing. Allele origin: germline.
Comment: This sequence change replaces tyrosine with aspartic acid at codon 280 of the GABRG2 protein (p.Tyr280Asp). The tyrosine residue is highly conserved and there is a large physicochemical difference between tyrosine and aspartic acid. This variant is not present in population databases (ExAC no frequency). This variant has not been reported in the literature in individuals with GABRG2-related disease. Algorithms developed to predict the effect of missense changes on protein structure and function (SIFT, PolyPhen-2, Align-GVGD) all suggest that this variant is likely to be disruptive, but these predictions have not been confirmed by published functional studies and their clinical significance is uncertain. In summary, the available evidence is currently insufficient to determine the role of this variant in disease. Therefore, it has been classified as a Variant of Uncertain Significance.